The following is an entry in ClinVar:

NM_032638.5(GATA2):c.643G>A (p.Val215Met)

Gene: GATA2 (GATA binding protein 2; minus strand). Cytogenetic location: 3q21.3.
Variant type: single nucleotide variant.
Coding change: c.643G>A on transcript NM_032638.5 (MANE Select); coding-DNA position 643, G replaced by A.
Protein change: p.Val215Met; replaces valine 215 with methionine.
Molecular consequence: missense variant.
Genome position (GRCh38, 1-based): chr3:128,485,955, C>T on the plus strand (G>A on the coding strand, the complement: GATA2 is on the minus strand). VCF-style: chr3-128485955-C-T. GRCh37 (hg19) VCF-style: chr3-128204798-C-T.
Other names: c.643G>A, p.Val215Met (NM_001145661.2, NM_001145662.1); short protein forms V215M.
Identifiers: ClinVar variation 1984683 (VCV001984683.5), dbSNP rs2472930541, ClinGen allele CA354406346.

ClinVar aggregate classification (germline): Uncertain significance. Review status: criteria provided, multiple submitters, no conflicts (2 of 4 stars). 2 submissions from 2 submitters: Uncertain significance (2). Last evaluated 2025-08-28.

Conditions:
Deafness-lymphedema-leukemia syndrome. Also called: Lymphedema, primary, with myelodysplasia; Emberger syndrome. Identifiers: Orphanet 3226, MedGen C3279664, MONDO:0013540, OMIM 614038.
Monocytopenia with susceptibility to infections. Also called: MONOCYTOPENIA AND MYCOBACTERIAL INFECTION SYNDROME; MONOCYTOPENIA WITH SUSCEPTIBILITY TO MYCOBACTERIAL, FUNGAL, AND PAPILLOMAVIRUS INFECTIONS AND MYELODYSPLASIA; COMBINED IMMUNODEFICIENCY WITH SUSCEPTIBILITY TO MYCOBACTERIAL, VIRAL, AND FUNGAL INFECTIONS; Dendritic cell, monocyte, B lymphocyte, and natural killer lymphocyte deficiency; IMMUNODEFICIENCY 21; GATA2 DEFICIENCY. Identifiers: Orphanet 228423, MedGen C3280030, MONDO:0013607, OMIM 614172.
Inborn genetic diseases. Identifiers: MedGen C0950123, MeSH D030342.

Submissions (2):

Ambry Genetics
Classification: Uncertain significance for Inborn genetic diseases. Last evaluated: 2025-08-28. Review status: criteria provided, single submitter. Criteria: Ambry Variant Classification Scheme 2023. Collection method: clinical testing. Allele origin: germline.
Comment: The p.V215M variant (also known as c.643G>A), located in coding exon 2 of the GATA2 gene, results from a G to A substitution at nucleotide position 643. The valine at codon 215 is replaced by methionine, an amino acid with highly similar properties. This amino acid position is well conserved in available vertebrate species. In addition, the in silico prediction for this alteration is inconclusive. Based on the available evidence, the clinical significance of this variant remains unclear.

Labcorp Genetics (formerly Invitae), Labcorp
Classification: Uncertain significance for Monocytopenia with susceptibility to infections; Deafness-lymphedema-leukemia syndrome. Last evaluated: 2022-08-18. Review status: criteria provided, single submitter. Criteria: Invitae Variant Classification Sherloc (09022015). Collection method: clinical testing. Allele origin: germline.
Comment: This variant has not been reported in the literature in individuals affected with GATA2-related conditions. In summary, the available evidence is currently insufficient to determine the role of this variant in disease. Therefore, it has been classified as a Variant of Uncertain Significance. Advanced modeling of protein sequence and biophysical properties (such as structural, functional, and spatial information, amino acid conservation, physicochemical variation, residue mobility, and thermodynamic stability) performed at Invitae indicates that this missense variant is not expected to disrupt GATA2 protein function. This variant is not present in population databases (gnomAD no frequency). This sequence change replaces valine, which is neutral and non-polar, with methionine, which is neutral and non-polar, at codon 215 of the GATA2 protein (p.Val215Met).